The following is an entry in ClinVar:

ClinVar aggregate classification (germline): Likely benign. Review status: criteria provided, multiple submitters, no conflicts (2 of 4 stars). 4 submissions from 4 submitters: Likely benign (4). Last evaluated 2024-11-13.

Conditions:
Acral peeling skin syndrome. Also called: Peeling skin syndrome 2. Identifiers: Orphanet 263534, MedGen C1853354, MONDO:0012345, OMIM 609796.

Allele frequency attached by ClinVar (database versions not stated): gnomAD 0.00004 and 0.00011; TOPMed 0.00006; ESP Exome Variant Server 0.00008; gnomAD exomes 0.00022 and 0.00046; 1000 Genomes Project 0.00040; 1000 Genomes Project 30x 0.00047; ExAC 0.00050.
gnomAD v4.1: 344 of 1,614,160 alleles (0.021%); highest among the groups gnomAD compares: South Asian, 0.25%; 6 homozygotes.

Submissions (4):

Blueprint Genetics
Classification: Likely benign. Last evaluated: 2024-11-13. Review status: criteria provided, single submitter. Criteria: ACMG Guidelines, 2015. Collection method: clinical testing. Allele origin: germline.

Labcorp Genetics (formerly Invitae), Labcorp
Classification: Likely benign. Last evaluated: 2019-12-31. Review status: criteria provided, single submitter. Criteria: Invitae Variant Classification Sherloc (09022015). Collection method: clinical testing. Allele origin: germline.

Illumina Laboratory Services, Illumina
Classification: Likely benign for Acral peeling skin syndrome. Last evaluated: 2018-01-13. Review status: criteria provided, single submitter. Criteria: ICSL Variant Classification Criteria 13 December 2019. Collection method: clinical testing. Allele origin: germline.
Comment: This variant was observed in the ICSL laboratory as part of a predisposition screen in an ostensibly healthy population. It had not been previously curated by ICSL or reported in the Human Gene Mutation Database (HGMD: prior to June 1st, 2018), and was therefore a candidate for classification through an automated scoring system. Utilizing variant allele frequency, disease prevalence and penetrance estimates, and inheritance mode, an automated score was calculated to assess if this variant is too frequent to cause the disease. Based on the score and internal cut-off values, a variant classified as likely benign is not then subjected to further curation. The score for this variant resulted in a classification of likely benign for this disease.

Breakthrough Genomics
Classification: Likely benign. Review status: criteria provided, single submitter. Criteria: ACMG Guidelines, 2015. Collection method: not provided. Allele origin: germline. Inheritance: Autosomal recessive inheritance. Affected: yes.

NM_201631.4(TGM5):c.989A>T (p.Lys330Met)

Gene: TGM5 (transglutaminase 5; minus strand). Cytogenetic location: 15q15.2.
Variant type: single nucleotide variant.
Coding change: c.989A>T on transcript NM_201631.4 (MANE Select); coding-DNA position 989, A replaced by T.
Protein change: p.Lys330Met; replaces lysine 330 with methionine.
Molecular consequence: missense variant.
Genome position (GRCh38, 1-based): chr15:43,240,864, T>A on the plus strand (A>T on the coding strand, the complement: TGM5 is on the minus strand). VCF-style: chr15-43240864-T-A. GRCh37 (hg19) VCF-style: chr15-43533062-T-A.
Other names: c.743A>T, p.Lys248Met (NM_004245.4); short protein forms K330M, K248M.
Identifiers: ClinVar variation 316051 (VCV000316051.11), dbSNP rs201805126, ClinGen allele CA7521132.